The following is an entry in ClinVar:

ClinVar aggregate classification (germline): Uncertain significance. Review status: criteria provided, multiple submitters, no conflicts (2 of 4 stars). 2 submissions from 2 submitters: Uncertain significance (2). Last evaluated 2025-07-29.

Conditions:
Inborn genetic diseases. Identifiers: MedGen C0950123, MeSH D030342.

Allele frequency attached by ClinVar (database versions not stated): gnomAD 0.00001; TOPMed 0.00001; gnomAD exomes 0.00001.
gnomAD v4.1: 12 of 1,612,060 alleles (0.00074%); highest among the groups gnomAD compares: Non-Finnish European, 0.00093%; no homozygotes.

Submissions (2):

Labcorp Genetics (formerly Invitae), Labcorp
Classification: Uncertain significance. Last evaluated: 2025-07-29. Review status: criteria provided, single submitter. Criteria: Invitae Variant Classification Sherloc (09022015). Collection method: clinical testing. Allele origin: germline.
Comment: This sequence change replaces arginine, which is basic and polar, with glutamine, which is neutral and polar, at codon 255 of the LEMD3 protein (p.Arg255Gln). This variant is present in population databases (no rsID available, gnomAD 0.002%). This variant has not been reported in the literature in individuals affected with LEMD3-related conditions. ClinVar contains an entry for this variant (Variation ID: 2474721). Invitae Evidence Modeling of protein sequence and biophysical properties (such as structural, functional, and spatial information, amino acid conservation, physicochemical variation, residue mobility, and thermodynamic stability) indicates that this missense variant is not expected to disrupt LEMD3 protein function with a negative predictive value of 80%. In summary, the available evidence is currently insufficient to determine the role of this variant in disease. Therefore, it has been classified as a Variant of Uncertain Significance.

Ambry Genetics
Classification: Uncertain significance for Inborn genetic diseases. Last evaluated: 2023-01-10. Review status: criteria provided, single submitter. Criteria: Ambry Variant Classification Scheme 2023. Collection method: clinical testing. Allele origin: germline.

NM_014319.5(LEMD3):c.764G>A (p.Arg255Gln)

Gene: LEMD3 (LEM domain containing 3; plus strand). Cytogenetic location: 12q14.3.
Variant type: single nucleotide variant.
Coding change: c.764G>A on transcript NM_014319.5 (MANE Select); coding-DNA position 764, G replaced by A.
Protein change: p.Arg255Gln; replaces arginine 255 with glutamine.
Molecular consequence: missense variant.
Genome position (GRCh38, 1-based): chr12:65,170,360, G>A. VCF-style: chr12-65170360-G-A. GRCh37 (hg19) VCF-style: chr12-65564140-G-A.
Other names: c.764G>A, p.Arg255Gln (NM_001167614.2); short protein forms R255Q.
Identifiers: ClinVar variation 2474721 (VCV002474721.5), dbSNP rs1171706683, ClinGen allele CA385673904.